The following is an entry in ClinVar:

ClinVar aggregate classification (germline): Pathogenic. Review status: criteria provided, multiple submitters, no conflicts (2 of 4 stars). 25 submissions from 23 submitters: Pathogenic (23). 2 of the submissions do not count toward it. Last evaluated 2026-10-01.

Conditions:
Multiple congenital anomalies/dysmorphic syndrome-intellectual disability. Identifiers: Orphanet 102283, MedGen C5680372, MONDO:0015159.
RNU4-2-associated neurodevelopmental disorder.
Neurodevelopmental disorder with hypotonia, brain anomalies, distinctive facies, and absent language. Also called: RNU4-2–Related Autosomal Dominant Neurodevelopmental Disorder; RNU4-2-Related Neurodevelopmental Disorder; ReNU SYNDROME. Identifiers: Orphanet 686488, MedGen C5935628, MONDO:0971172, OMIM 620851.

Submissions 1 to 12 of 25:

Systems Biology Laboratory, Department of Convergent Bioscience and Informatics, Chungnam National University
Classification: Pathogenic for Neurodevelopmental disorder with hypotonia, brain anomalies, distinctive facies, and absent language. Last evaluated: 2026-10-01. Review status: criteria provided, single submitter. Criteria: ACMG Guidelines, 2015. Collection method: research. Allele origin: de novo. Inheritance: Autosomal dominant inheritance. Affected: yes. Observed: 1 variant allele, 1 heterozygote.
Comment: PS2_VeryStrong (recurrent confirmed de novo variant in multiple unrelated individuals with ReNU syndrome, PMID:38991538; PMID:38821540; and confirmed de novo in this proband, 8) + PS4 (recurrent hotspot variant enriched in affected individuals, 4) + PM2_Supporting (absent from gnomAD v4.1, 1) = 13 points.

Laboratory Cellgenetics, GMDL Cellgenetics
Classification: Pathogenic for Neurodevelopmental disorder with hypotonia, brain anomalies, distinctive facies, and absent language. Last evaluated: 2026-08-07. Review status: criteria provided, single submitter. Criteria: ACMG Guidelines, 2015. Collection method: clinical testing. Allele origin: de novo. Inheritance: Sporadic. Affected: yes. Observed: 2 variant alleles, 2 heterozygotes. Clinical features observed: Intellectual disability (HP:0001249).
Comment: This variant was identified as de novo (maternity and paternity confirmed). Criteria applied: PS2_VeryStrong, PS3_Moderate, PS4_Moderate, PM1_Supporting and PM2_Supporting

CeGaT Center for Human Genetics Tuebingen
Classification: Pathogenic. Last evaluated: 2026-06-01. Review status: criteria provided, single submitter. Criteria: CeGaT Center For Human Genetics Tuebingen Variant Classification Criteria Version 2. Collection method: clinical testing. Allele origin: germline. Affected: yes. Observed: 9 variant alleles.
Comment: RNU4-2: PS2:Very Strong, PS4, PM2

Institute of Human Genetics, University of Leipzig Medical Center
Classification: Pathogenic for Neurodevelopmental disorder with hypotonia, brain anomalies, distinctive facies, and absent language. Last evaluated: 2026-02-06. Review status: criteria provided, single submitter. Criteria: ACMG Guidelines, 2015. Collection method: clinical testing. Allele origin: de novo. Inheritance: Autosomal dominant inheritance. Affected: yes.
Comment: Criteria applied: PS2_VSTR, PS4, PM2

Variantyx, Inc.
Classification: Pathogenic for Neurodevelopmental disorder with hypotonia, brain anomalies, distinctive facies, and absent language. Last evaluated: 2026-01-07. Review status: criteria provided, single submitter. Criteria: Variantyx Assertion Criteria 2022. Collection method: clinical testing. Allele origin: de novo. Inheritance: Autosomal dominant inheritance. Affected: yes.
Comment: This is a single base insertion in the non-coding RNA gene RNU4-2 (OMIM: 620823). Pathogenic variants in this gene have been associated with autosomal dominant ReNU syndrome. This variant has been reported in several unrelated affected individuals (PMID: 38859706, 38991538, 39434505, 39423747) (PS4), while it is absent from control populations (PM2). Based on the current evidence, this variant is classified as pathogenic for autosomal dominant ReNU syndrome.

3billion
Classification: Pathogenic for Neurodevelopmental disorder with hypotonia, brain anomalies, distinctive facies, and absent language. Last evaluated: 2025-12-12. Review status: criteria provided, single submitter. Criteria: ACMG Guidelines, 2015. Collection method: clinical testing. Allele origin: germline. Affected: yes.
Comment: The variant is not observed in the gnomAD v4.1.0 dataset. Predicted Consequence/Location: non coding variant The variant has been observed in multiple (>3) similarly affected unrelated individuals (PMID: 38645094). The variant has been reported at least twice as pathogenic with clinical assertions and evidence for the classification (ClinVar ID: VCV003068742 /PMID: 38821540 /3billion dataset). Therefore, this variant is classified as Pathogenic according to the recommendation of ACMG/AMP guideline.

Victorian Clinical Genetics Services, Murdoch Childrens Research Institute
Classification: Pathogenic for Neurodevelopmental disorder with hypotonia, brain anomalies, distinctive facies, and absent language. Last evaluated: 2025-12-12. Review status: criteria provided, single submitter. Criteria: ACMG Guidelines, 2015. Collection method: clinical testing. Allele origin: germline. Affected: yes.
Comment: This variant is classified as Pathogenic. Evidence in support of pathogenic classification: Non-coding variant with known effect. Systemic disruption to 5' splice site usage was observed in RNA-sequencing data from five individuals with RNU4-2 variants, three of whom harboured the n.64_65insT variant (PMID: 38991538); Variant is absent from gnomAD (v2, v3 and v4); This variant has strong previous evidence of pathogenicity in unrelated individuals. This is a recurrent pathogenic de novo variant that has been observed in individuals with neurodevelopmental syndrome (PMID: 38991538); Additional information: This variant is heterozygous; This gene is associated with autosomal dominant disease; Variant is located in the defined critical and highly constrained 18bp region in RNU4-2 (PMID: 38991538); The mechanism of disease for this gene is not clearly established.

Department of Human Genetics, Hannover Medical School
Classification: Pathogenic for Neurodevelopmental disorder with hypotonia, brain anomalies, distinctive facies, and absent language. Last evaluated: 2025-12-03. Review status: criteria provided, single submitter. Criteria: ACMG Guidelines, 2015. Collection method: clinical testing. Allele origin: germline. Affected: yes.

Hadassah Hebrew University Medical Center
Classification: Pathogenic for Neurodevelopmental disorder with hypotonia, brain anomalies, distinctive facies, and absent language. Last evaluated: 2025-10-01. Review status: criteria provided, single submitter. Criteria: ACMG Guidelines, 2015. Collection method: clinical testing. Allele origin: germline. Affected: yes.
Comment: This is a well-established pathogenic variant.

Undiagnosed Diseases Network, NIH
Classification: Pathogenic for Neurodevelopmental disorder with hypotonia, brain anomalies, distinctive facies, and absent language. Last evaluated: 2025-08-06. Review status: criteria provided, single submitter. Criteria: ACMG Guidelines, 2015. Collection method: clinical testing. Allele origin: de novo. Inheritance: Autosomal dominant inheritance. Affected: yes. Observed: 4 variant alleles, 4 heterozygotes. Clinical features observed: Abnormal midface morphology (HP:0000309), Micrognathia (HP:0000347), Strabismus (HP:0000486), Dental crowding (HP:0000678), Hypothyroidism (HP:0000821), Glaucoma of childhood (HP:0001087), Seizure (HP:0001250), Joint hypermobility (HP:0001382), Gastroesophageal reflux (HP:0002020), Severe expressive language delay (HP:0006863), Axial hypotonia (HP:0008936), Chronic constipation (HP:0012450), and 44 more. Study: Undiagnosed Diseases Network (NIH), UDN.

Equipe Genetique des Anomalies du Developpement, Université de Bourgogne
Classification: Pathogenic for Neurodevelopmental disorder with hypotonia, brain anomalies, distinctive facies, and absent language. Last evaluated: 2025-03-20. Review status: criteria provided, single submitter. Criteria: ACMG Guidelines, 2015. Collection method: clinical testing. Allele origin: de novo. Affected: yes.
Comment: The n.64_65insT variant, present in a heterozygous state, has been reported as pathogenic numerous times in ClinVar (VCV003068742.15) as well as in literature (PMID: 38991538, 38821540). Pathogenic monoallelic variants in the RNU4-2 gene are responisble for ReNU syndrome (OMIM #620851) of autosomal dominant inheritance. According to the available evidence, this variant is considered to be pathogenic.

Clinical Genomics Laboratory, Washington University in St. Louis
Classification: Pathogenic for Neurodevelopmental disorder with hypotonia, brain anomalies, distinctive facies, and absent language. Last evaluated: 2025-03-19. Review status: criteria provided, single submitter. Criteria: ACMG Guidelines, 2015. Collection method: clinical testing. Allele origin: germline. Affected: yes.
Comment: The RNU4-2 n.64_65insT variant has been reported in at least 50 individuals affected with a neurodevelopmental disorder with most variants occurring de novo (Chen Y et al., PMID: 38991538; Greene D et al., PMID: 38821540; Schot R et al., PMID: 38859706). This variant is highly enriched in individuals with neurodevelopmental syndromes and individuals with this variant have systemic changes in 5‚Äô splice site usage. This variant has been reported in the ClinVar database as a germline pathogenic variant by several submitters (Variation ID: 3068742). Based on available information and the ACMG/AMP guidelines for variant interpretation (Richards S et al., PMID: 25741868), this variant is classified as pathogenic.

NR_003137.3(RNU4-2):n.64_65insT

Genes: SIRT4 (sirtuin 4; plus strand), RNU4-1 (RNA, U4 small nuclear 1; minus strand), RNU4-2 (RNA, U4 small nuclear 2; minus strand). Cytogenetic location: 12q24.23.
Variant type: Insertion.
Molecular consequence: non-coding transcript variant (on NR_003137.3).
Genome position: GRCh38 VCF-style: chr12-120291839-T-TA. GRCh37 (hg19) VCF-style: chr12-120729642-T-TA.
Identifiers: ClinVar variation 3068742 (VCV003068742.40), dbSNP rs2499959771, ClinGen allele CA658785330.